The following is an entry in ClinVar:

ClinVar aggregate classification (germline): Likely pathogenic (1 of 4 stars; one submission).

Conditions:
Ehlers-Danlos syndrome, classic type, 2 (EDSCL2). Also called: Ehlers-Danlos syndrome, type 2; Ehlers-Danlos syndrome type 2 (formerly); Ehlers-Danlos Syndrome, Classic Type, COL5A2-Related. Identifiers: Orphanet 287, Orphanet 90318, MedGen C0268336, MONDO:0019568, OMIM 130010.

Submission:

Centre for Mendelian Genomics, University Medical Centre Ljubljana
Classification: Likely pathogenic for Ehlers-Danlos syndrome, classic type, 2. Last evaluated: 2016-01-01. Review status: criteria provided, single submitter. Criteria: ACMG Guidelines, 2015. Collection method: clinical testing. Allele origin: unknown. Affected: yes.
Comment: This variant was classified as: Likely pathogenic. The following ACMG criteria were applied in classifying this variant: PVS1,PM2.

NM_000093.5(COL5A1):c.4804_4805insCGTTCTCTACCAGCTGC (p.Val1602fs)

Genes: COL5A1 (collagen type V alpha 1 chain; plus strand), LOC101448202 (uncharacterized LOC101448202; minus strand). Cytogenetic location: 9q34.3.
Variant type: Insertion.
Coding change: c.4804_4805insCGTTCTCTACCAGCTGC on transcript NM_000093.5 (MANE Select); coding-DNA positions 4804 to 4805, CGTTCTCTACCAGCTGC inserted.
Protein change: p.Val1602fs; shifts the reading frame from valine 1602.
Molecular consequence: frameshift variant.
Genome position: GRCh38 VCF-style: chr9-134824705-G-GCGTTCTCTACCAGCTGC. GRCh37 (hg19) VCF-style: chr9-137716551-G-GCGTTCTCTACCAGCTGC.
Other names: c.4804_4805insCGTTCTCTACCAGCTGC, p.Val1602fs (NM_001278074.1); short protein forms V1602fs.
Identifiers: ClinVar variation 930317 (VCV000930317.3), dbSNP rs1839191116, ClinGen allele CA1139661329.